The following is an entry in ClinVar:

ClinVar aggregate classification (germline): Uncertain significance (1 of 4 stars; one submission).

Conditions:
Severe combined immunodeficiency due to DNA-PKcs deficiency. Also called: IMMUNODEFICIENCY 26 WITH NEUROLOGIC ABNORMALITIES; Immunodeficiency 26 with or without neurologic abnormalities. Identifiers: Orphanet 317425, MedGen C4014833, MONDO:0014423, OMIM 615966.

Allele frequency attached by ClinVar (database versions not stated): gnomAD exomes below 0.00001.
gnomAD v4.1: 2 of 1,612,228 alleles (0.00012%); highest among the groups gnomAD compares: Non-Finnish European, 0.00017%; no homozygotes.

Submission:

Labcorp Genetics (formerly Invitae), Labcorp
Classification: Uncertain significance for Severe combined immunodeficiency due to DNA-PKcs deficiency. Last evaluated: 2022-01-26. Review status: criteria provided, single submitter. Criteria: Invitae Variant Classification Sherloc (09022015). Collection method: clinical testing. Allele origin: germline.
Comment: This variant is not present in population databases (gnomAD no frequency). This sequence change falls in intron 46 of the PRKDC gene. It does not directly change the encoded amino acid sequence of the PRKDC protein. It affects a nucleotide within the consensus splice site. This variant has not been reported in the literature in individuals affected with PRKDC-related conditions. In summary, the available evidence is currently insufficient to determine the role of this variant in disease. Therefore, it has been classified as a Variant of Uncertain Significance. Variants that disrupt the consensus splice site are a relatively common cause of aberrant splicing (PMID: 17576681, 9536098). Experimental studies and prediction algorithms are not available or were not evaluated, and the effect of this variant on mRNA splicing is currently unknown. ClinVar contains an entry for this variant (Variation ID: 1004999).

Literature cited by the submitters: PubMed 17576681; PubMed 9536098.

NM_006904.7(PRKDC):c.6208-3C>T

Gene: PRKDC (protein kinase, DNA-activated, catalytic subunit; minus strand). Cytogenetic location: 8q11.21.
Variant type: single nucleotide variant.
Coding change: c.6208-3C>T on transcript NM_006904.7 (MANE Select); 3 bases into the intron before coding-DNA position 6208, C replaced by T.
Molecular consequence: intron variant.
Genome position (GRCh38, 1-based): chr8:47,858,989, G>A on the plus strand (C>T on the coding strand, the complement: PRKDC is on the minus strand). VCF-style: chr8-47858989-G-A. GRCh37 (hg19) VCF-style: chr8-48771550-G-A.
Other names: c.6208-3C>T (NM_001081640.2).
Identifiers: ClinVar variation 1004999 (VCV001004999.6), dbSNP rs2088612676, ClinGen allele CA1781855561.
Genomic context (GRCh38, chr8:47,858,989, plus strand): 5'-TGAGCTCGTCCATCTCCAGCTCCAGCACATCATCATGCACCGTGGGGTCCCGCTGCTCCT[G>A]CGAAAGGGAGGGCCCAGGAGAGCAGAGGGTACAGTTAACATTCAGTGGACAAGGCAGTGG-3'